The following is an entry in ClinVar:

ClinVar aggregate classification (germline): Benign/Likely benign. Review status: criteria provided, multiple submitters, no conflicts (2 of 4 stars). 3 submissions from 3 submitters: Benign (2); Likely benign (1). Last evaluated 2024-09-11.

Submissions (3):

Blueprint Genetics
Classification: Likely benign. Last evaluated: 2024-09-11. Review status: criteria provided, single submitter. Criteria: ACMG Guidelines, 2015. Collection method: clinical testing. Allele origin: germline.

CeGaT Center for Human Genetics Tuebingen
Classification: Benign. Last evaluated: 2024-09-01. Review status: criteria provided, single submitter. Criteria: CeGaT Center For Human Genetics Tuebingen Variant Classification Criteria Version 2. Collection method: clinical testing. Allele origin: germline. Affected: yes. Observed: 2 variant alleles.
Comment: VARS1: BP4, BS1, BS2

Labcorp Genetics (formerly Invitae), Labcorp
Classification: Benign. Last evaluated: 2018-07-06. Review status: criteria provided, single submitter. Criteria: Invitae Variant Classification Sherloc (09022015). Collection method: clinical testing. Allele origin: germline.

NM_006295.3(VARS1):c.523-3del

Genes: VARS1 (valyl-tRNA synthetase 1; minus strand), LOC126859651 (CDK7 strongly-dependent group 2 enhancer GRCh37_chr6:31759783-31760982; plus strand). Cytogenetic location: 6p21.33.
Variant type: Deletion.
Coding change: c.523-3del on transcript NM_006295.3 (MANE Select); 3 bases into the intron before coding-DNA position 523, one base deleted (C; older notation c.523-3delC).
Molecular consequence: intron variant.
Genome position (GRCh38, 1-based): chr6:31,792,898, G deleted on the plus strand (C on the coding strand, the reverse complement: VARS1 is on the minus strand); the first of 2 consecutive G bases (chr6:31,792,898-31,792,899); deleting either gives the same sequence. VCF-style (leftmost placement, unchanged base first): chr6-31792897-TG-T. GRCh37 (hg19) VCF-style: chr6-31760674-TG-T.
Identifiers: ClinVar variation 708431 (VCV000708431.28), dbSNP rs535331110, ClinGen allele CA3723544.
Genomic context (GRCh38, chr6:31,792,897, plus strand): 5'-CACGTGACAAACCAGCGAGTCACATTATTCCAGATCCGGCGGGCAGGTGGGTCTAGGACC[TG>T]GAACAGGAAATAAATGACTCTTCTCAGTCACCCTACAGTGAGGTCTGAGGAGAGCAGTCT-3'